The following is an entry in ClinVar:

ClinVar aggregate classification (germline): Uncertain significance. Review status: criteria provided, multiple submitters, no conflicts (2 of 4 stars). 8 submissions from 8 submitters: Uncertain significance (7). 1 of the submissions does not count toward it. Last evaluated 2025-03-09.

Conditions:
Joubert syndrome 1 (JBTS1). Also called: Cerebellooculorenal syndrome 1; CEREBELLOPARENCHYMAL DISORDER IV. Identifiers: MedGen C4551568, MONDO:0008944, OMIM 213300.
Joubert syndrome 26 (JBTS26). Identifiers: Orphanet 475, MedGen C4084843, MONDO:0014771, OMIM 616784.

Allele frequency attached by ClinVar (database versions not stated): gnomAD exomes 0.00004 and 0.00008; gnomAD 0.00008 and 0.00009; ExAC 0.00009; TOPMed 0.00010; ESP Exome Variant Server 0.00015.
gnomAD v4.1: 74 of 1,613,356 alleles (0.0046%); highest among the groups gnomAD compares: Middle Eastern, 0.099%; no homozygotes.

Submissions (8):

Dasa
Classification: Uncertain significance. Last evaluated: 2025-03-09. Review status: criteria provided, single submitter. Criteria: DASA Assertion Criteria. Collection method: clinical testing. Allele origin: germline.
Comment: NM_015202.5(KIAA0556):c.4711A>G (p.Ser1571Gly) is a missense variant that results in the substitution of serine with glycine. This variant is rare in population databases. Computational prediction algorithms are consistent with a benign effect. The currently available literature and clinical evidence are not sufficient to establish a definitive association between this variant and the reported condition. Therefore, this variant is classified as a variant of uncertain significance.

Blueprint Genetics
Classification: Uncertain significance. Last evaluated: 2024-10-04. Review status: criteria provided, single submitter. Criteria: ACMG Guidelines, 2015. Collection method: clinical testing. Allele origin: germline.

Laboratorio de Genetica e Diagnostico Molecular, Hospital Israelita Albert Einstein
Classification: Uncertain significance for Joubert syndrome 26. Last evaluated: 2024-07-21. Review status: criteria provided, single submitter. Criteria: ACMG Guidelines, 2015. Collection method: clinical testing. Allele origin: germline. Affected: yes.
Comment: ACMG classification criteria: PM2 supporting

Genomic Medicine Center of Excellence, King Faisal Specialist Hospital and Research Centre
Classification: Uncertain significance for Joubert syndrome 1. Last evaluated: 2024-03-29. Review status: criteria provided, single submitter. Criteria: ACMG Guidelines, 2015. Collection method: clinical testing. Allele origin: germline.

Labcorp Genetics (formerly Invitae), Labcorp
Classification: Uncertain significance. Last evaluated: 2023-12-18. Review status: criteria provided, single submitter. Criteria: Invitae Variant Classification Sherloc (09022015). Collection method: clinical testing. Allele origin: germline.
Comment: This sequence change replaces serine, which is neutral and polar, with glycine, which is neutral and non-polar, at codon 1571 of the KIAA0556 protein (p.Ser1571Gly). This variant is present in population databases (rs138866758, gnomAD 0.02%). This variant has not been reported in the literature in individuals affected with KIAA0556-related conditions. ClinVar contains an entry for this variant (Variation ID: 828109). An algorithm developed to predict the effect of missense changes on protein structure and function (PolyPhen-2) suggests that this variant is likely to be disruptive. In summary, the available evidence is currently insufficient to determine the role of this variant in disease. Therefore, it has been classified as a Variant of Uncertain Significance.

GeneDx
Classification: Uncertain significance. Last evaluated: 2022-06-08. Review status: criteria provided, single submitter. Criteria: GeneDx Variant Classification Process June 2021. Collection method: clinical testing. Allele origin: germline. Affected: yes.
Comment: In silico analysis supports that this missense variant has a deleterious effect on protein structure/function; Has not been previously published as pathogenic or benign to our knowledge; Variants in candidate genes are classified as variants of uncertain significance in accordance with ACMG guidelines (Richards et al., 2015)

CeGaT Center for Human Genetics Tuebingen
Classification: Uncertain significance. Last evaluated: 2022-02-01. Review status: criteria provided, single submitter. Criteria: CeGaT Center For Human Genetics Tuebingen Variant Classification Criteria Version 2. Collection method: clinical testing. Allele origin: germline. Affected: yes. Observed: 1 variant allele.

Biochemical Molecular Genetic Laboratory, King Abdulaziz Medical City
Classification: Likely pathogenic for Joubert syndrome 26. Last evaluated: 2020-02-05. Review status: no assertion criteria provided. Collection method: clinical testing. Allele origin: germline. Affected: yes. Not counted in ClinVar's aggregate classification.

NM_015202.5(KATNIP):c.4711A>G (p.Ser1571Gly)

Gene: KATNIP (katanin interacting protein; plus strand). Cytogenetic location: 16p12.1.
Variant type: single nucleotide variant.
Coding change: c.4711A>G on transcript NM_015202.5 (MANE Select); coding-DNA position 4711, A replaced by G.
Protein change: p.Ser1571Gly; replaces serine 1571 with glycine.
Molecular consequence: missense variant.
Genome position (GRCh38, 1-based): chr16:27,777,769, A>G. VCF-style: chr16-27777769-A-G. GRCh37 (hg19) VCF-style: chr16-27789090-A-G.
Other names: short protein forms S1571G.
Identifiers: ClinVar variation 828109 (VCV000828109.42), dbSNP rs138866758, ClinGen allele CA7978724.